The following is an entry in ClinVar:

NM_001348323.3(TRIP12):c.5765C>T (p.Ser1922Leu)

Gene: TRIP12 (thyroid hormone receptor interactor 12; minus strand). Cytogenetic location: 2q36.3.
Variant type: single nucleotide variant.
Coding change: c.5765C>T on transcript NM_001348323.3 (MANE Select); coding-DNA position 5765, C replaced by T.
Protein change: p.Ser1922Leu; replaces serine 1922 with leucine.
Molecular consequence: missense variant.
Genome position (GRCh38, 1-based): chr2:229,771,562, G>A on the plus strand (C>T on the coding strand, the complement: TRIP12 is on the minus strand). VCF-style: chr2-229771562-G-A. GRCh37 (hg19) VCF-style: chr2-230636278-G-A.
Other names: c.5684C>T, p.Ser1895Leu (NM_001284214.2, NM_001348315.2); c.5639C>T, p.Ser1880Leu (NM_001284215.2, NM_001348316.2); c.4730C>T, p.Ser1577Leu (NM_001284216.2); c.5624C>T, p.Ser1875Leu (NM_001348317.1, NM_001348318.2); c.5750C>T, p.Ser1917Leu (NM_001348319.1, NM_001348320.2); c.5753C>T, p.Ser1918Leu (NM_001348321.1); c.5765C>T, p.Ser1922Leu (NM_001348322.1, NM_001348324.2, NM_001348325.2 and 2 more transcripts); c.5768C>T, p.Ser1923Leu (NM_001348328.1, NM_001348329.2, NM_001348330.2); and 4 more; short protein forms S1577L, S1847L, S1848L, S1875L, S1880L, S1888L, S1895L, S1896L.
Identifiers: ClinVar variation 4086396 (VCV004086396.1).

ClinVar aggregate classification (germline): Uncertain significance (1 of 4 stars; one submission).

Submission:

GeneDx
Classification: Uncertain significance. Last evaluated: 2025-03-20. Review status: criteria provided, single submitter. Criteria: GeneDx Variant Classification Process June 2021. Collection method: clinical testing. Allele origin: germline. Affected: yes.
Comment: Not observed at significant frequency in large population cohorts (gnomAD); In silico analysis supports that this missense variant has a deleterious effect on protein structure/function; Has not been previously published as pathogenic or benign to our knowledge